The following is an entry in ClinVar:

ClinVar aggregate classification (germline): Pathogenic/Likely pathogenic. Review status: criteria provided, multiple submitters, no conflicts (2 of 4 stars). 3 submissions from 3 submitters: Pathogenic (2); Likely pathogenic (1). Last evaluated 2024-09-24.

Conditions:
Joubert syndrome 3 (JBTS3). Also called: AHI1-related Ciliopathy. Identifiers: Orphanet 220493, MedGen C1837713, MONDO:0012078, OMIM 608629.
Joubert syndrome. Also called: JOUBERT-BOLTSHAUSER SYNDROME; Familial aplasia of the vermis. Identifiers: Orphanet 475, MedGen C5979921, MONDO:0018772.

Allele frequency attached by ClinVar (database versions not stated): gnomAD exomes below 0.00001; TOPMed below 0.00001; gnomAD 0.00001.
gnomAD v4.1: 4 of 1,606,026 alleles (0.00025%); highest among the groups gnomAD compares: African/African-American, 0.004%; no homozygotes.

Submissions (3):

Myriad Genetics, Inc.
Classification: Pathogenic for Joubert syndrome 3. Last evaluated: 2024-09-24. Review status: criteria provided, single submitter. Criteria: Myriad Autosomal Dominant, Autosomal Recessive and X-Linked Classification Criteria (2023). Collection method: clinical testing. Allele origin: unknown.
Comment: NM_001134831.1(AHI1):c.1660C>T(Q554*) is expected to be pathogenic in the context of Joubert syndrome, AHI1-related. This variant is predicted to lead to an abnormal or absent protein product due to the creation of a premature termination codon in AHI1, a gene where loss-of-function variants are known to be pathogenic. Please note: this variant was assessed in the context of healthy population screening.

Fulgent Genetics
Classification: Likely pathogenic for Joubert syndrome 3. Last evaluated: 2024-04-23. Review status: criteria provided, single submitter. Criteria: ACMG Guidelines, 2015. Collection method: clinical testing. Allele origin: germline.

Labcorp Genetics (formerly Invitae), Labcorp
Classification: Pathogenic for Joubert syndrome. Last evaluated: 2022-12-19. Review status: criteria provided, single submitter. Criteria: Invitae Variant Classification Sherloc (09022015). Collection method: clinical testing. Allele origin: germline.
Comment: For these reasons, this variant has been classified as Pathogenic. Algorithms developed to predict the effect of sequence changes on RNA splicing suggest that this variant may disrupt the consensus splice site. This variant has not been reported in the literature in individuals affected with AHI1-related conditions. This variant is not present in population databases (gnomAD no frequency). This sequence change creates a premature translational stop signal (p.Gln554*) in the AHI1 gene. It is expected to result in an absent or disrupted protein product. Loss-of-function variants in AHI1 are known to be pathogenic (PMID: 15322546, 16453322, 28442542, 29186038).

Literature cited by the submitters: PubMed 15322546 (cited by Labcorp Genetics (formerly Invitae), Labcorp); PubMed 16453322 (cited by Labcorp Genetics (formerly Invitae), Labcorp); PubMed 28442542 (cited by Labcorp Genetics (formerly Invitae), Labcorp); PubMed 29186038 (cited by Labcorp Genetics (formerly Invitae), Labcorp).

NM_001134831.2(AHI1):c.1660C>T (p.Gln554Ter)

Gene: AHI1 (Abelson helper integration site 1; minus strand). Cytogenetic location: 6q23.3.
Variant type: single nucleotide variant.
Coding change: c.1660C>T on transcript NM_001134831.2 (MANE Select); coding-DNA position 1660, C replaced by T.
Protein change: p.Gln554Ter; replaces glutamine 554 with a stop codon.
Molecular consequence: nonsense.
Genome position (GRCh38, 1-based): chr6:135,447,127, G>A on the plus strand (C>T on the coding strand, the complement: AHI1 is on the minus strand). VCF-style: chr6-135447127-G-A. GRCh37 (hg19) VCF-style: chr6-135768265-G-A.
Other names: c.1660C>T (NM_017651.4); c.1660C>T, p.Gln554Ter (NM_001134830.2, NM_001134832.2, NM_001350503.2 and 2 more transcripts); short protein forms Q554*.
Identifiers: ClinVar variation 2713727 (VCV002713727.5), dbSNP rs933648254, ClinGen allele CA148132326.